The following is an entry in ClinVar:

NM_020297.4(ABCC9):c.3244A>G (p.Arg1082Gly)

Gene: ABCC9 (ATP binding cassette subfamily C member 9; minus strand). Cytogenetic location: 12p12.1.
Variant type: single nucleotide variant.
Coding change: c.3244A>G on transcript NM_020297.4 (MANE Select); coding-DNA position 3244, A replaced by G.
Protein change: p.Arg1082Gly; replaces arginine 1082 with glycine.
Molecular consequence: missense variant.
Genome position (GRCh38, 1-based): chr12:21,844,768, T>C on the plus strand (A>G on the coding strand, the complement: ABCC9 is on the minus strand). VCF-style: chr12-21844768-T-C. GRCh37 (hg19) VCF-style: chr12-21997702-T-C.
Other names: c.3244A>G, p.Arg1082Gly (NM_001377273.1, NM_005691.4); c.2377A>G, p.Arg793Gly (NM_001377274.1); short protein forms R1082G, R793G.
Identifiers: ClinVar variation 1039026 (VCV001039026.8), dbSNP rs1944556283, ClinGen allele CA384118297.

ClinVar aggregate classification (germline): Uncertain significance (1 of 4 stars; one submission).

Conditions:
Dilated cardiomyopathy 1O (CMD1O). Also called: CARDIOMYOPATHY, DILATED, WITH VENTRICULAR TACHYCARDIA. Identifiers: Orphanet 154, MedGen C1837839, MONDO:0012062, OMIM 608569.

Submission:

Labcorp Genetics (formerly Invitae), Labcorp
Classification: Uncertain significance for Dilated cardiomyopathy 1O. Last evaluated: 2020-07-10. Review status: criteria provided, single submitter. Criteria: Invitae Variant Classification Sherloc (09022015). Collection method: clinical testing. Allele origin: germline.
Comment: In summary, the available evidence is currently insufficient to determine the role of this variant in disease. Therefore, it has been classified as a Variant of Uncertain Significance. Algorithms developed to predict the effect of sequence changes on RNA splicing suggest that this variant may disrupt the consensus splice site, but this prediction has not been confirmed by published transcriptional studies. Algorithms developed to predict the effect of missense changes on protein structure and function are either unavailable or do not agree on the potential impact of this missense change (SIFT: "Tolerated"; PolyPhen-2: "Possibly Damaging"; Align-GVGD: "Class C0"). This variant has not been reported in the literature in individuals with ABCC9-related conditions. This variant is not present in population databases (ExAC no frequency). This sequence change replaces arginine with glycine at codon 1082 of the ABCC9 protein (p.Arg1082Gly). The arginine residue is moderately conserved and there is a moderate physicochemical difference between arginine and glycine.